The following is an entry in ClinVar:

ClinVar aggregate classification (germline): Uncertain significance. Review status: criteria provided, multiple submitters, no conflicts (2 of 4 stars). 2 submissions from 2 submitters: Uncertain significance (2). Last evaluated 2025-09-20.

Conditions:
Familial thoracic aortic aneurysm and aortic dissection (TAAD). Also called: Thoracic aortic aneurysms and dissections. Identifiers: Orphanet 91387, MedGen C4707243, MONDO:0019625.
Marfan syndrome (MFS). Also called: Marfan syndrome, classic; Marfan syndrome type 1; Marfan's syndrome; FBN1-Related Marfan Syndrome; MARFAN SYNDROME, TYPE I. Identifiers: Orphanet 284963, Orphanet 558, MedGen C0024796, MONDO:0007947, OMIM 154700.

gnomAD v4.1: 1 of 1,613,716 alleles (0.000062%); highest among the groups gnomAD compares: Non-Finnish European, 0.000085%; no homozygotes.

Submissions (2):

Labcorp Genetics (formerly Invitae), Labcorp
Classification: Uncertain significance for Marfan syndrome; Familial thoracic aortic aneurysm and aortic dissection. Last evaluated: 2025-09-20. Review status: criteria provided, single submitter. Criteria: Invitae Variant Classification Sherloc (09022015). Collection method: clinical testing. Allele origin: germline.
Comment: This sequence change replaces proline, which is neutral and non-polar, with threonine, which is neutral and polar, at codon 2175 of the FBN1 protein (p.Pro2175Thr). This variant is not present in population databases (gnomAD no frequency). This variant has not been reported in the literature in individuals affected with FBN1-related conditions. ClinVar contains an entry for this variant (Variation ID: 919259). Invitae Evidence Modeling of protein sequence and biophysical properties (such as structural, functional, and spatial information, amino acid conservation, physicochemical variation, residue mobility, and thermodynamic stability) indicates that this missense variant is expected to disrupt FBN1 protein function with a positive predictive value of 95%. In summary, the available evidence is currently insufficient to determine the role of this variant in disease. Therefore, it has been classified as a Variant of Uncertain Significance.

Color Diagnostics, LLC DBA Color Health
Classification: Uncertain significance for Familial thoracic aortic aneurysm and aortic dissection. Last evaluated: 2024-03-06. Review status: criteria provided, single submitter. Criteria: ACMG Guidelines, 2015. Collection method: clinical testing. Allele origin: germline.
Comment: This missense variant replaces proline with threonine at codon 2175 of the FBN1 protein. Computational prediction is inconclusive regarding the impact of this variant on protein structure and function (internally defined REVEL score threshold 0.5 < inconclusive < 0.7, PMID: 27666373). Splice site prediction tools suggest that this variant may not impact RNA splicing. To our knowledge, functional studies have not been reported for this variant. This variant has not been reported in individuals affected with cardiovascular disorders in the literature. This variant has not been identified in the general population by the Genome Aggregation Database (gnomAD). The available evidence is insufficient to determine the role of this variant in disease conclusively. Therefore, this variant is classified as a Variant of Uncertain Significance.

NM_000138.5(FBN1):c.6523C>A (p.Pro2175Thr)

Gene: FBN1 (fibrillin 1; minus strand). Cytogenetic location: 15q21.1.
Variant type: single nucleotide variant.
Coding change: c.6523C>A on transcript NM_000138.5 (MANE Select); coding-DNA position 6523, C replaced by A.
Protein change: p.Pro2175Thr; replaces proline 2175 with threonine.
Molecular consequence: missense variant.
Genome position (GRCh38, 1-based): chr15:48,434,687, G>T on the plus strand (C>A on the coding strand, the complement: FBN1 is on the minus strand). VCF-style: chr15-48434687-G-T. GRCh37 (hg19) VCF-style: chr15-48726884-G-T.
Other names: short protein forms P2175T.
Identifiers: ClinVar variation 919259 (VCV000919259.7), dbSNP rs2043051465, ClinGen allele CA392335169.
Genomic context (GRCh38, chr15:48,434,687, plus strand): 5'-CCTCCTCGCAGGTGCATTCAAAACCTCCAATCACATTCTTGCAGGTTCCATTTCCACAAG[G>T]ATTGCCAACAGAACATTCATCAGTATCTGCAAGAAACCAGGAATGTGTCCAAAACATGAT-3'
Protein context (NP_000129.3, residues 2165-2185): VDTDECSVGN[Pro2175Thr]CGNGTCKNVI